The following is an entry in ClinVar:

NM_015909.4(NBAS):c.709C>T (p.His237Tyr)

Gene: NBAS (NBAS subunit of NRZ tethering complex; minus strand). Cytogenetic location: 2p24.3.
Variant type: single nucleotide variant.
Coding change: c.709C>T on transcript NM_015909.4 (MANE Select); coding-DNA position 709, C replaced by T.
Protein change: p.His237Tyr; replaces histidine 237 with tyrosine.
Molecular consequence: missense variant. On other transcripts: non-coding transcript variant (1).
Genome position (GRCh38, 1-based): chr2:15,534,580, G>A on the plus strand (C>T on the coding strand, the complement: NBAS is on the minus strand). VCF-style: chr2-15534580-G-A. GRCh37 (hg19) VCF-style: chr2-15674704-G-A.
Other names: short protein forms H237Y.
Identifiers: ClinVar variation 1377413 (VCV001377413.6), dbSNP rs2148680710, ClinGen allele CA345884572.

ClinVar aggregate classification (germline): Uncertain significance (1 of 4 stars; one submission).

gnomAD v4.1: 2 of 1,613,684 alleles (0.00012%); highest among the groups gnomAD compares: Non-Finnish European, 0.00017%; no homozygotes.

Submission:

Labcorp Genetics (formerly Invitae), Labcorp
Classification: Uncertain significance. Last evaluated: 2022-11-08. Review status: criteria provided, single submitter. Criteria: Invitae Variant Classification Sherloc (09022015). Collection method: clinical testing. Allele origin: germline.
Comment: This variant is not present in population databases (gnomAD no frequency). In summary, the available evidence is currently insufficient to determine the role of this variant in disease. Therefore, it has been classified as a Variant of Uncertain Significance. Advanced modeling of protein sequence and biophysical properties (such as structural, functional, and spatial information, amino acid conservation, physicochemical variation, residue mobility, and thermodynamic stability) performed at Invitae indicates that this missense variant is not expected to disrupt NBAS protein function. ClinVar contains an entry for this variant (Variation ID: 1377413). This variant has not been reported in the literature in individuals affected with NBAS-related conditions. This sequence change replaces histidine, which is basic and polar, with tyrosine, which is neutral and polar, at codon 237 of the NBAS protein (p.His237Tyr).